The following is an entry in ClinVar:

ClinVar aggregate classification (germline): Likely pathogenic. Review status: criteria provided, multiple submitters, no conflicts (2 of 4 stars). 3 submissions from 3 submitters: Likely pathogenic (2). 1 of the submissions does not count toward it. Last evaluated 2025-04-16.

Conditions:
Hereditary cancer-predisposing syndrome. Also called: Neoplastic Syndromes, Hereditary; Hereditary Cancer Syndrome; Hereditary neoplastic syndrome; Tumor predisposition. Identifiers: Orphanet 140162, MedGen C0027672, MeSH D009386, MONDO:0015356.
Fumarase deficiency (FMRD). Also called: Fumaric aciduria; Fumarate Hydratase Deficiency. Identifiers: Orphanet 24, MedGen C0342770, MONDO:0011730, OMIM 606812.

Submissions (3):

Ambry Genetics
Classification: Likely pathogenic for Hereditary cancer-predisposing syndrome. Last evaluated: 2025-04-16. Review status: criteria provided, single submitter. Criteria: Ambry Variant Classification Scheme 2023. Collection method: clinical testing. Allele origin: germline.
Comment: The p.R51P variant (also known as c.152G>C), located in coding exon 2 of the FH gene, results from a G to C substitution at nucleotide position 152. The arginine at codon 51 is replaced by proline, an amino acid with dissimilar properties. This variant was reported in individual(s) with features consistent with hereditary leiomyomatosis and renal cell cancer (HLRCC) (Ambry internal data). Based on internal structural analysis, this variant is anticipated to result in a significant decrease in structural stability (Ajalla Aleixo MA et al. FEBS J, 2019 May;286:1925-1940; Ambry internal data). This variant is considered to be rare based on population cohorts in the Genome Aggregation Database (gnomAD). This amino acid position is highly conserved in available vertebrate species. In addition, this alteration is predicted to be deleterious by in silico analysis. Based on the majority of available evidence to date, this variant is likely to be pathogenic.

Labcorp Genetics (formerly Invitae), Labcorp
Classification: Likely pathogenic. Last evaluated: 2021-05-28. Review status: criteria provided, single submitter. Criteria: Invitae Variant Classification Sherloc (09022015). Collection method: clinical testing. Allele origin: germline.
Comment: In summary, the currently available evidence indicates that the variant is pathogenic, but additional data are needed to prove that conclusively. Therefore, this variant has been classified as Likely Pathogenic. This variant disrupts the p.Arg51 amino acid residue in FH. Other variant(s) that disrupt this residue have been determined to be pathogenic (PMID: 25004247, Invitae). This suggests that this residue is clinically significant, and that variants that disrupt this residue are likely to be disease-causing. Advanced modeling of protein sequence and biophysical properties (such as structural, functional, and spatial information, amino acid conservation, physicochemical variation, residue mobility, and thermodynamic stability) performed at Invitae indicates that this missense variant is expected to disrupt FH protein function. This variant has not been reported in the literature in individuals affected with FH-related conditions. This variant is not present in population databases (ExAC no frequency). This sequence change replaces arginine with proline at codon 51 of the FH protein (p.Arg51Pro). The arginine residue is highly conserved and there is a moderate physicochemical difference between arginine and proline.

Natera, Inc.
Classification: Uncertain significance for Fumarase Deficiency. Last evaluated: 2020-07-15. Review status: no assertion criteria provided. Collection method: clinical testing. Allele origin: germline. Not counted in ClinVar's aggregate classification.

Literature cited by the submitters: PubMed 30761759 (cited by Ambry Genetics); PubMed 25004247 (cited by Labcorp Genetics (formerly Invitae), Labcorp).

NM_000143.4(FH):c.152G>C (p.Arg51Pro)

Gene: FH (fumarate hydratase; minus strand). Cytogenetic location: 1q43.
Variant type: single nucleotide variant.
Coding change: c.152G>C on transcript NM_000143.4 (MANE Select); coding-DNA position 152, G replaced by C.
Protein change: p.Arg51Pro; replaces arginine 51 with proline.
Molecular consequence: missense variant.
Genome position (GRCh38, 1-based): chr1:241,517,297, C>G on the plus strand (G>C on the coding strand, the complement: FH is on the minus strand). VCF-style: chr1-241517297-C-G. GRCh37 (hg19) VCF-style: chr1-241680597-C-G.
Other names: short protein forms R51P.
Identifiers: ClinVar variation 643911 (VCV000643911.13), dbSNP rs976734433, ClinGen allele CA345442006.